The following is an entry in ClinVar:

NM_014927.5(CNKSR2):c.1661del (p.Pro554fs)

Gene: CNKSR2 (connector enhancer of kinase suppressor of Ras 2; plus strand). Cytogenetic location: Xp22.12.
Variant type: Deletion.
Coding change: c.1661del on transcript NM_014927.5 (MANE Select); coding-DNA position 1661, one base deleted (C; older notation c.1661delC).
Protein change: p.Pro554fs; shifts the reading frame from proline 554.
Molecular consequence: frameshift variant.
Genome position (GRCh38, 1-based): chrX:21,591,025, C deleted; the last of 2 consecutive C bases (chrX:21,591,024-21,591,025); deleting either gives the same sequence. VCF-style (leftmost placement, unchanged base first): chrX-21591023-TC-T. GRCh37 (hg19) VCF-style: chrX-21609141-TC-T.
Other names: c.1571del, p.Pro524fs (NM_001168647.3, NM_001330773.2); c.1661del, p.Pro554fs (NM_001168648.3); c.1514del, p.Pro505fs (NM_001168649.3, NM_001330770.2); c.1424del, p.Pro475fs (NM_001330771.2, NM_001330772.2); short protein forms P475fs, P505fs, P524fs, P554fs.
Identifiers: ClinVar variation 3898729 (VCV003898729.7).
Genomic context (GRCh38, chrX:21,591,023, plus strand): 5'-AGATTAATCCTCTACTTTCATACCTTTGACAAAATTGAAAGAGCATTTCCACCCTTTAGG[TC>T]CTATAGCAGGCAAGAGCAAAAGACGAATTTCTTGCAAAGATCTTGGCCGTGGTGACTGTG-3'

ClinVar aggregate classification (germline): Pathogenic (1 of 4 stars; one submission).

Submission:

CeGaT Center for Human Genetics Tuebingen
Classification: Pathogenic. Last evaluated: 2025-04-01. Review status: criteria provided, single submitter. Criteria: CeGaT Center For Human Genetics Tuebingen Variant Classification Criteria Version 2. Collection method: clinical testing. Allele origin: germline. Affected: yes. Observed: 1 variant allele.
Comment: CNKSR2: PVS1, PM2